The following is an entry in ClinVar:

NM_000051.4(ATM):c.4378G>T (p.Ala1460Ser)

Gene: ATM (ATM serine/threonine kinase; plus strand). Cytogenetic location: 11q22.3.
Variant type: single nucleotide variant.
Coding change: c.4378G>T on transcript NM_000051.4 (MANE Select); coding-DNA position 4378, G replaced by T.
Protein change: p.Ala1460Ser; replaces alanine 1460 with serine.
Molecular consequence: missense variant.
Genome position (GRCh38, 1-based): chr11:108,289,743, G>T. VCF-style: chr11-108289743-G-T. GRCh37 (hg19) VCF-style: chr11-108160470-G-T.
Other names: c.4378G>T, p.Ala1460Ser (NM_001351834.2); short protein forms A1460S.
Identifiers: ClinVar variation 407677 (VCV000407677.15), dbSNP rs1060501675, ClinGen allele CA16613052.

ClinVar aggregate classification (germline): Uncertain significance. Review status: criteria provided, multiple submitters, no conflicts (2 of 4 stars). 4 submissions from 4 submitters: Uncertain significance (4). Last evaluated 2024-11-16.

Conditions:
Hereditary cancer-predisposing syndrome. Also called: Hereditary neoplastic syndrome; Neoplastic Syndromes, Hereditary; Tumor predisposition; Hereditary Cancer Syndrome. Identifiers: Orphanet 140162, MedGen C0027672, MeSH D009386, MONDO:0015356.
Familial cancer of breast. Also called: Hereditary breast cancer; hereditary breast carcinoma; BREAST CANCER, FAMILIAL. Identifiers: Orphanet 227535, MedGen C0346153, MONDO:0016419, OMIM 114480. Disease mechanism: loss of function.
Ataxia-telangiectasia syndrome (AT). Also called: Ataxia telangiectasia (A-T); LOUIS-BAR SYNDROME; Cerebello-oculocutaneous telangiectasia; Immunodeficiency with ataxia telangiectasia; Ataxia-telangiectasia, complementation group D; AT, COMPLEMENTATION GROUP C. Identifiers: Orphanet 100, MedGen C0004135, MONDO:0008840, OMIM 208900.

Allele frequency attached by ClinVar (database versions not stated): gnomAD exomes below 0.00001; TOPMed 0.00001.
gnomAD v4.1: 1 of 1,613,730 alleles (0.000062%); highest among the groups gnomAD compares: African/African-American, 0.0013%; no homozygotes.

Submissions (4):

Labcorp Genetics (formerly Invitae), Labcorp
Classification: Uncertain significance for Ataxia-telangiectasia syndrome. Last evaluated: 2024-11-16. Review status: criteria provided, single submitter. Criteria: Invitae Variant Classification Sherloc (09022015). Collection method: clinical testing. Allele origin: germline.
Comment: This sequence change replaces alanine, which is neutral and non-polar, with serine, which is neutral and polar, at codon 1460 of the ATM protein (p.Ala1460Ser). This variant is not present in population databases (gnomAD no frequency). This variant has not been reported in the literature in individuals affected with ATM-related conditions. ClinVar contains an entry for this variant (Variation ID: 407677). Invitae Evidence Modeling of protein sequence and biophysical properties (such as structural, functional, and spatial information, amino acid conservation, physicochemical variation, residue mobility, and thermodynamic stability) indicates that this missense variant is not expected to disrupt ATM protein function with a negative predictive value of 95%. In summary, the available evidence is currently insufficient to determine the role of this variant in disease. Therefore, it has been classified as a Variant of Uncertain Significance.

Ambry Genetics
Classification: Uncertain significance for Hereditary cancer-predisposing syndrome. Last evaluated: 2024-08-01. Review status: criteria provided, single submitter. Criteria: Ambry Variant Classification Scheme 2023. Collection method: clinical testing. Allele origin: germline.
Comment: The p.A1460S variant (also known as c.4378G>T), located in coding exon 28 of the ATM gene, results from a G to T substitution at nucleotide position 4378. The alanine at codon 1460 is replaced by serine, an amino acid with similar properties. This amino acid position is highly conserved in available vertebrate species. In addition, this alteration is predicted to be tolerated by in silico analysis. Based on the available evidence, the clinical significance of this variant remains unclear.

Baylor Genetics
Classification: Uncertain significance for Familial cancer of breast. Last evaluated: 2024-02-09. Review status: criteria provided, single submitter. Criteria: ACMG Guidelines, 2015. Collection method: clinical testing. Allele origin: unknown.

Color Diagnostics, LLC DBA Color Health
Classification: Uncertain significance for Hereditary cancer-predisposing syndrome. Last evaluated: 2020-11-23. Review status: criteria provided, single submitter. Criteria: ACMG Guidelines, 2015. Collection method: clinical testing. Allele origin: germline.
Comment: This missense variant replaces alanine with serine at codon 1460 of the ATM protein. Computational prediction suggests that this variant may not impact protein structure and function (internally defined REVEL score threshold <= 0.5, PMID: 27666373). To our knowledge, functional studies have not been reported for this variant. This variant has not been reported in individuals affected with hereditary cancer in the literature. This variant has not been identified in the general population by the Genome Aggregation Database (gnomAD). The available evidence is insufficient to determine the role of this variant in disease conclusively. Therefore, this variant is classified as a Variant of Uncertain Significance.